The following is an entry in ClinVar:

ClinVar aggregate classification (germline): Uncertain significance. Review status: criteria provided, multiple submitters, no conflicts (2 of 4 stars). 2 submissions from 2 submitters: Uncertain significance (2). Last evaluated 2026-01-06.

Conditions:
Left ventricular noncompaction 8 (LVNC8). Identifiers: Orphanet 154, Orphanet 54260, MedGen C3809288, MONDO:0014152, OMIM 615373.

Allele frequency attached by ClinVar (database versions not stated): gnomAD 0.00001; gnomAD exomes 0.00001 and 0.00003; ExAC 0.00002; TOPMed 0.00003; ESP Exome Variant Server 0.00008.
gnomAD v4.1: 39 of 1,613,922 alleles (0.0024%); highest among the groups gnomAD compares: Non-Finnish European, 0.0031%; no homozygotes.

Submissions (2):

Labcorp Genetics (formerly Invitae), Labcorp
Classification: Uncertain significance for Left ventricular noncompaction 8. Last evaluated: 2026-01-06. Review status: criteria provided, single submitter. Criteria: Invitae Variant Classification Sherloc (09022015). Collection method: clinical testing. Allele origin: germline.
Comment: This sequence change replaces alanine, which is neutral and non-polar, with threonine, which is neutral and polar, at codon 1096 of the PRDM16 protein (p.Ala1096Thr). This variant is present in population databases (rs374562445, gnomAD 0.007%). This variant has not been reported in the literature in individuals affected with PRDM16-related conditions. ClinVar contains an entry for this variant (Variation ID: 541375). An algorithm developed to predict the effect of missense changes on protein structure and function (PolyPhen-2) suggests that this variant is likely to be tolerated. In summary, the available evidence is currently insufficient to determine the role of this variant in disease. Therefore, it has been classified as a Variant of Uncertain Significance.

GeneDx
Classification: Uncertain significance. Last evaluated: 2023-04-25. Review status: criteria provided, single submitter. Criteria: GeneDx Variant Classification Process June 2021. Collection method: clinical testing. Allele origin: germline. Affected: yes.
Comment: Has not been previously published as pathogenic or benign to our knowledge; Not observed at significant frequency in large population cohorts (gnomAD); In silico analysis supports that this missense variant does not alter protein structure/function

NM_022114.4(PRDM16):c.3286G>A (p.Ala1096Thr)

Gene: PRDM16 (PR/SET domain 16; plus strand). Cytogenetic location: 1p36.32.
Variant type: single nucleotide variant.
Coding change: c.3286G>A on transcript NM_022114.4 (MANE Select); coding-DNA position 3286, G replaced by A.
Protein change: p.Ala1096Thr; replaces alanine 1096 with threonine.
Molecular consequence: missense variant.
Genome position (GRCh38, 1-based): chr1:3,430,873, G>A. VCF-style: chr1-3430873-G-A. GRCh37 (hg19) VCF-style: chr1-3347437-G-A.
Other names: c.3286G>A, p.Ala1096Thr (NM_199454.3); short protein forms A1096T.
Identifiers: ClinVar variation 541375 (VCV000541375.9), dbSNP rs374562445, ClinGen allele CA544820.